The following is an entry in ClinVar:

NM_001110556.2(FLNA):c.1513G>T (p.Val505Leu)

Gene: FLNA (filamin A; minus strand). Cytogenetic location: Xq28.
Variant type: single nucleotide variant.
Coding change: c.1513G>T on transcript NM_001110556.2 (MANE Select); coding-DNA position 1513, G replaced by T.
Protein change: p.Val505Leu; replaces valine 505 with leucine.
Molecular consequence: missense variant.
Genome position (GRCh38, 1-based): chrX:154,365,403, C>A on the plus strand (G>T on the coding strand, the complement: FLNA is on the minus strand). VCF-style: chrX-154365403-C-A. GRCh37 (hg19) VCF-style: chrX-153593771-C-A.
Other names: c.1513G>T, p.Val505Leu (NM_001456.4); short protein forms V505L.
Identifiers: ClinVar variation 4072635 (VCV004072635.1).

ClinVar aggregate classification (germline): Uncertain significance (1 of 4 stars; one submission).

Submission:

GeneDx
Classification: Uncertain significance. Last evaluated: 2025-02-02. Review status: criteria provided, single submitter. Criteria: GeneDx Variant Classification Process June 2021. Collection method: clinical testing. Allele origin: germline. Affected: yes.
Comment: Not observed at significant frequency in large population cohorts (gnomAD); In silico analysis supports that this missense variant has a deleterious effect on protein structure/function; Has not been previously published as pathogenic or benign to our knowledge